The following is an entry in ClinVar:

ClinVar aggregate classification (germline): Uncertain significance (1 of 4 stars; one submission).

gnomAD v4.1: 1 of 1,612,884 alleles (0.000062%); highest among the groups gnomAD compares: East Asian, 0.0022%; no homozygotes.

Submission:

Labcorp Genetics (formerly Invitae), Labcorp
Classification: Uncertain significance. Last evaluated: 2025-11-08. Review status: criteria provided, single submitter. Criteria: Invitae Variant Classification Sherloc (09022015). Collection method: clinical testing. Allele origin: germline.
Comment: This sequence change replaces proline, which is neutral and non-polar, with threonine, which is neutral and polar, at codon 247 of the PSMB4 protein (p.Pro247Thr). This variant is present in population databases (rs772971488, gnomAD 0.006%). This variant has not been reported in the literature in individuals affected with PSMB4-related conditions. An algorithm developed to predict the effect of missense changes on protein structure and function (PolyPhen-2) suggests that this variant is likely to be disruptive. In summary, the available evidence is currently insufficient to determine the role of this variant in disease. Therefore, it has been classified as a Variant of Uncertain Significance.

NM_002796.3(PSMB4):c.739C>A (p.Pro247Thr)

Gene: PSMB4 (proteasome 20S subunit beta 4; plus strand). Cytogenetic location: 1q21.3.
Variant type: single nucleotide variant.
Coding change: c.739C>A on transcript NM_002796.3 (MANE Select); coding-DNA position 739, C replaced by A.
Protein change: p.Pro247Thr; replaces proline 247 with threonine.
Molecular consequence: missense variant.
Genome position (GRCh38, 1-based): chr1:151,401,587, C>A. VCF-style: chr1-151401587-C-A. GRCh37 (hg19) VCF-style: chr1-151374063-C-A.
Other names: short protein forms P247T.
Identifiers: ClinVar variation 4803306 (VCV004803306.1).